The following is an entry in ClinVar:

NM_003737.4(DCHS1):c.4392C>A (p.Asp1464Glu)

Gene: DCHS1 (dachsous cadherin-related 1; minus strand). Cytogenetic location: 11p15.4.
Variant type: single nucleotide variant.
Coding change: c.4392C>A on transcript NM_003737.4 (MANE Select); coding-DNA position 4392, C replaced by A.
Protein change: p.Asp1464Glu; replaces aspartic acid 1464 with glutamic acid.
Molecular consequence: missense variant.
Genome position (GRCh38, 1-based): chr11:6,630,402, G>T on the plus strand (C>A on the coding strand, the complement: DCHS1 is on the minus strand). VCF-style: chr11-6630402-G-T. GRCh37 (hg19) VCF-style: chr11-6651633-G-T.
Other names: short protein forms D1464E.
Identifiers: ClinVar variation 2008781 (VCV002008781.4), dbSNP rs374847582, ClinGen allele CA379405421.

ClinVar aggregate classification (germline): Uncertain significance (1 of 4 stars; one submission).

Submission:

Labcorp Genetics (formerly Invitae), Labcorp
Classification: Uncertain significance. Last evaluated: 2022-07-25. Review status: criteria provided, single submitter. Criteria: Invitae Variant Classification Sherloc (09022015). Collection method: clinical testing. Allele origin: germline.
Comment: This sequence change replaces aspartic acid, which is acidic and polar, with glutamic acid, which is acidic and polar, at codon 1464 of the DCHS1 protein (p.Asp1464Glu). In summary, the available evidence is currently insufficient to determine the role of this variant in disease. Therefore, it has been classified as a Variant of Uncertain Significance. Algorithms developed to predict the effect of missense changes on protein structure and function (SIFT, PolyPhen-2, Align-GVGD) all suggest that this variant is likely to be disruptive. This variant has not been reported in the literature in individuals affected with DCHS1-related conditions. This variant is not present in population databases (gnomAD no frequency).